The following is an entry in ClinVar:

NM_001008212.2(OPTN):c.953C>T (p.Thr318Ile)

Gene: OPTN (optineurin; plus strand). Cytogenetic location: 10p13.
Variant type: single nucleotide variant.
Coding change: c.953C>T on transcript NM_001008212.2 (MANE Select); coding-DNA position 953, C replaced by T.
Protein change: p.Thr318Ile; replaces threonine 318 with isoleucine.
Molecular consequence: missense variant.
Genome position (GRCh38, 1-based): chr10:13,124,065, C>T. VCF-style: chr10-13124065-C-T. GRCh37 (hg19) VCF-style: chr10-13166065-C-T.
Other names: c.953C>T, p.Thr318Ile (NM_001008211.1, NM_001008213.1, NM_021980.4); short protein forms T318I.
Identifiers: ClinVar variation 4793089 (VCV004793089.1).

ClinVar aggregate classification (germline): Uncertain significance (1 of 4 stars; one submission).

Conditions:
Primary open angle glaucoma (POAG). Also called: OPTN-related open angle glaucoma. Identifiers: MedGen C0339573, MONDO:0100553, OMIM 137760.
Amyotrophic lateral sclerosis type 12 (ALS12). Also called: AMYOTROPHIC LATERAL SCLEROSIS 12 WITH OR WITHOUT FRONTOTEMPORAL DEMENTIA. Identifiers: Orphanet 803, MedGen C3150692, MONDO:0013264, OMIM 613435.
Glaucoma 1, open angle, E. Identifiers: MedGen C1842026, MONDO:0007665.

gnomAD v4.1: 5 of 1,613,658 alleles (0.00031%); highest among the groups gnomAD compares: Non-Finnish European, 0.00034%; no homozygotes.

Submission:

Labcorp Genetics (formerly Invitae), Labcorp
Classification: Uncertain significance for Primary open angle glaucoma; Glaucoma 1, open angle, E; Amyotrophic lateral sclerosis type 12. Last evaluated: 2025-10-08. Review status: criteria provided, single submitter. Criteria: Invitae Variant Classification Sherloc (09022015). Collection method: clinical testing. Allele origin: germline.
Comment: This sequence change replaces threonine, which is neutral and polar, with isoleucine, which is neutral and non-polar, at codon 318 of the OPTN protein (p.Thr318Ile). This variant is not present in population databases (gnomAD no frequency). This variant has not been reported in the literature in individuals affected with OPTN-related conditions. Invitae Evidence Modeling of protein sequence and biophysical properties (such as structural, functional, and spatial information, amino acid conservation, physicochemical variation, residue mobility, and thermodynamic stability) indicates that this missense variant is not expected to disrupt OPTN protein function with a negative predictive value of 80%. In summary, the available evidence is currently insufficient to determine the role of this variant in disease. Therefore, it has been classified as a Variant of Uncertain Significance.